The following is an entry in ClinVar:

ClinVar aggregate classification (germline): Uncertain significance. Review status: criteria provided, multiple submitters, no conflicts (2 of 4 stars). 3 submissions from 3 submitters: Uncertain significance (3). Last evaluated 2024-01-03.

Conditions:
3M syndrome 2. Also called: 3-M Syndrome, OBSL1-Related; THREE M SYNDROME 2. Identifiers: Orphanet 2616, MedGen C2752041, MONDO:0013039, OMIM 612921.
Inborn genetic diseases. Identifiers: MedGen C0950123, MeSH D030342.

Allele frequency attached by ClinVar (database versions not stated): gnomAD exomes 0.00001 and 0.00002; gnomAD 0.00003; ExAC 0.00005; TOPMed 0.00006.

Submissions (3):

Ambry Genetics
Classification: Uncertain significance for Inborn genetic diseases. Last evaluated: 2024-01-03. Review status: criteria provided, single submitter. Criteria: Ambry Variant Classification Scheme 2023. Collection method: clinical testing. Allele origin: germline.

Labcorp Genetics (formerly Invitae), Labcorp
Classification: Uncertain significance. Last evaluated: 2021-08-26. Review status: criteria provided, single submitter. Criteria: Invitae Variant Classification Sherloc (09022015). Collection method: clinical testing. Allele origin: germline.
Comment: This sequence change replaces valine with isoleucine at codon 880 of the OBSL1 protein (p.Val880Ile). The valine residue is moderately conserved and there is a small physicochemical difference between valine and isoleucine. This variant is present in population databases (rs781481635, ExAC 0.05%). This variant has not been reported in the literature in individuals affected with OBSL1-related conditions. Algorithms developed to predict the effect of missense changes on protein structure and function are either unavailable or do not agree on the potential impact of this missense change (SIFT: "Tolerated"; PolyPhen-2: "Possibly Damaging"; Align-GVGD: "Class C0"). In summary, the available evidence is currently insufficient to determine the role of this variant in disease. Therefore, it has been classified as a Variant of Uncertain Significance.

Illumina Laboratory Services, Illumina
Classification: Uncertain significance for 3M syndrome 2. Last evaluated: 2018-01-13. Review status: criteria provided, single submitter. Criteria: ICSL Variant Classification Criteria 13 December 2019. Collection method: clinical testing. Allele origin: germline.

NM_015311.3(OBSL1):c.2638G>A (p.Val880Ile)

Gene: OBSL1 (obscurin like cytoskeletal adaptor 1; minus strand). Cytogenetic location: 2q35.
Variant type: single nucleotide variant.
Coding change: c.2638G>A on transcript NM_015311.3 (MANE Select); coding-DNA position 2638, G replaced by A.
Protein change: p.Val880Ile; replaces valine 880 with isoleucine.
Molecular consequence: missense variant.
Genome position (GRCh38, 1-based): chr2:219,563,397, C>T on the plus strand (G>A on the coding strand, the complement: OBSL1 is on the minus strand). VCF-style: chr2-219563397-C-T. GRCh37 (hg19) VCF-style: chr2-220428119-C-T.
Other names: c.2638G>A, p.Val880Ile (NM_001173408.2, NM_001173431.2); short protein forms V880I.
Identifiers: ClinVar variation 898877 (VCV000898877.10), dbSNP rs781481635, ClinGen allele CA2131157.
Genomic context (GRCh38, chr2:219,563,397, plus strand): 5'-GCCCACCTGGCCCCCCACCTGTGATGGTGACAGTGAAGTAGGCACACTCATCTCCAGCGA[C>T]GCACTGAAACTCGCCCCCGTCTGAGGGCTGGGTGGCGGGCAGCACCAGGCGGCGATGGGG-3'
Protein context (NP_056126.1, residues 870-890): QPSDGGEFQC[Val880Ile]AGDECAYFTV